The following is an entry in ClinVar:

NM_006918.5(SC5D):c.442A>G (p.Lys148Glu)

Gene: SC5D (sterol-C5-desaturase; plus strand). Cytogenetic location: 11q24.1.
Variant type: single nucleotide variant.
Coding change: c.442A>G on transcript NM_006918.5 (MANE Select); coding-DNA position 442, A replaced by G.
Protein change: p.Lys148Glu; replaces lysine 148 with glutamic acid.
Molecular consequence: missense variant.
Genome position (GRCh38, 1-based): chr11:121,306,484, A>G. VCF-style: chr11-121306484-A-G. GRCh37 (hg19) VCF-style: chr11-121177193-A-G.
Other names: c.442A>G, p.Lys148Glu (NM_001024956.3); short protein forms K148E.
Identifiers: ClinVar variation 811763 (VCV000811763.12), dbSNP rs775350797, ClinGen allele CA229856502.

ClinVar aggregate classification (germline): Uncertain significance. Review status: criteria provided, multiple submitters, no conflicts (2 of 4 stars). 3 submissions from 3 submitters: Uncertain significance (2). 1 of the submissions does not count toward it. Last evaluated 2021-11-07.

Conditions:
Lathosterolosis. Also called: SC5D DEFICIENCY; STEROL C5-DESATURASE DEFICIENCY. Identifiers: Orphanet 46059, MedGen C1846421, MONDO:0011816, OMIM 607330.

Allele frequency attached by ClinVar (database versions not stated): gnomAD exomes 0.00002 and 0.00007; TOPMed 0.00004; gnomAD 0.00005 and 0.00006.
gnomAD v4.1: 92 of 1,388,994 alleles (0.0066%); highest among the groups gnomAD compares: Non-Finnish European, 0.0093%; no homozygotes.

Submissions (3):

Labcorp Genetics (formerly Invitae), Labcorp
Classification: Uncertain significance. Last evaluated: 2021-11-07. Review status: criteria provided, single submitter. Criteria: Invitae Variant Classification Sherloc (09022015). Collection method: clinical testing. Allele origin: germline.
Comment: In summary, the available evidence is currently insufficient to determine the role of this variant in disease. Therefore, it has been classified as a Variant of Uncertain Significance. Algorithms developed to predict the effect of missense changes on protein structure and function are either unavailable or do not agree on the potential impact of this missense change (SIFT: "Deleterious"; PolyPhen-2: "Probably Damaging"; Align-GVGD: "Class C15"). ClinVar contains an entry for this variant (Variation ID: 811763). This missense change has been observed in individual(s) with lathosterolosis (PMID: 24142275). This variant is present in population databases (rs775350797, gnomAD 0.004%). This sequence change replaces lysine, which is basic and polar, with glutamic acid, which is acidic and polar, at codon 148 of the SC5D protein (p.Lys148Glu).

ARUP Laboratories, Molecular Genetics and Genomics, ARUP Laboratories
Classification: Uncertain significance for Lathosterolosis. Last evaluated: 2018-09-13. Review status: criteria provided, single submitter. Criteria: ARUP Molecular Germline Variant Investigation Process. Collection method: clinical testing. Allele origin: germline.
Comment: The patient reported by Ho et al. (2014) carried the same variant, c.442A>G; p.Lys148Glu. Plasma sterol analysis showed high lathosterol level and normal levels of 7DHC and 8DHC (Ho 2014). Skin fibroblasts also had elevated concentration of lathosterol (Ho 2014). The second variant reported in the patient described by Ho et al. (2014), p.Asp210Glu, was also identified in an individual with bilateral congenital cataract, neurodevelopmental delay and microcephaly. That individual also carried p.Pro160Arg SC5D variant (Gillespie 2014) and was part of the congenital cataracts NGS study.

OMIM
Classification: Pathogenic for LATHOSTEROLOSIS. Last evaluated: 2020-06-02. Review status: no assertion criteria provided. Collection method: literature only. Allele origin: germline. Not counted in ClinVar's aggregate classification.

Literature cited by the submitters: PubMed 24142275 (cited by Labcorp Genetics (formerly Invitae), Labcorp and OMIM).